The following is an entry in ClinVar:

ClinVar aggregate classification (germline): Pathogenic (1 of 4 stars; one submission).

Conditions:
Refsum disease, classic. Also called: HEREDOPATHIA ATACTICA POLYNEURITIFORMIS; HMSN IV; PHYTANIC ACID OXIDASE DEFICIENCY; PHYH-Related Refsum Disease. Identifiers: Orphanet 773, MedGen C5780941, MONDO:1060256, OMIM 266500. Disease mechanism: loss of function.

Submission:

Myriad Genetics, Inc.
Classification: Pathogenic for Refsum disease, classic. Last evaluated: 2023-09-27. Review status: criteria provided, single submitter. Criteria: Myriad Autosomal Dominant, Autosomal Recessive and X-Linked Classification Criteria (2023). Collection method: clinical testing. Allele origin: unknown.
Comment: NM_006214.3(PHYH):c.586dupA(M196Nfs*35) is expected to be pathogenic in the context of Refsum disease, PHYH-related. This variant is predicted to lead to an abnormal or absent protein product due to the creation of a premature termination codon in PHYH, a gene where loss-of-function variants are known to be pathogenic. Please note: this variant was assessed in the context of healthy population screening.

NM_006214.4(PHYH):c.586dup (p.Met196fs)

Gene: PHYH (phytanoyl-CoA 2-hydroxylase; minus strand). Cytogenetic location: 10p13.
Variant type: Duplication.
Coding change: c.586dup on transcript NM_006214.4 (MANE Select); coding-DNA position 586, one base duplicated (A; older notation c.586dupA).
Protein change: p.Met196fs; shifts the reading frame from methionine 196.
Molecular consequence: frameshift variant. On other transcripts: intron variant (1).
Genome position (GRCh38, 1-based): chr10:13,288,452, T duplicated on the plus strand (A on the coding strand, the reverse complement: PHYH is on the minus strand). VCF-style (leftmost placement, unchanged base first): chr10-13288451-A-AT. GRCh37 (hg19) VCF-style: chr10-13330451-A-AT.
Other names: c.286dup, p.Met96fs (NM_001037537.2, NM_001323080.2); c.592dup, p.Met198fs (NM_001323082.2); c.292dup, p.Met98fs (NM_001323084.2); c.415-4613dup (NM_001323083.2); short protein forms M196fs, M198fs, M96fs, M98fs.
Identifiers: ClinVar variation 5011894 (VCV005011894.1).